The following is an entry in ClinVar:

ClinVar aggregate classification (germline): Pathogenic (1 of 4 stars; one submission).

Conditions:
Androgen resistance syndrome (AIS). Also called: Androgen insensitivity, complete; Androgen insensitivity syndrome; DHTR DEFICIENCY; ANDROGEN RECEPTOR DEFICIENCY; DIHYDROTESTOSTERONE RECEPTOR DEFICIENCY; TESTICULAR FEMINIZATION SYNDROME. Identifiers: Orphanet 754, Orphanet 99429, MedGen C0039585, MONDO:0019154, OMIM 300068. Disease mechanism: loss of function.
Kennedy disease (SMAX1). Also called: Spinal and Bulbar Muscular Atrophy; SPINAL AND BULBAR MUSCULAR ATROPHY, X-LINKED 1; KENNEDY SPINAL AND BULBAR MUSCULAR ATROPHY. Identifiers: Orphanet 481, MedGen C1839259, MONDO:0010735, OMIM 313200.

Submission:

Labcorp Genetics (formerly Invitae), Labcorp
Classification: Pathogenic for Kennedy disease; Androgen resistance syndrome. Last evaluated: 2025-05-30. Review status: criteria provided, single submitter. Criteria: Invitae Variant Classification Sherloc (09022015). Collection method: clinical testing. Allele origin: germline.
Comment: This sequence change replaces isoleucine, which is neutral and non-polar, with phenylalanine, which is neutral and non-polar, at codon 900 of the AR protein (p.Ile900Phe). This variant is not present in population databases (gnomAD no frequency). This missense change has been observed in individual(s) with complete androgen insensitivity syndrome and/or 46, XY disorder of sexual development (PMID: 34333495; internal data). It has also been observed to segregate with disease in related individuals. ClinVar contains an entry for this variant (Variation ID: 464801). Invitae Evidence Modeling of protein sequence and biophysical properties (such as structural, functional, and spatial information, amino acid conservation, physicochemical variation, residue mobility, and thermodynamic stability) indicates that this missense variant is expected to disrupt AR protein function with a positive predictive value of 95%. For these reasons, this variant has been classified as Pathogenic.

Literature cited by the submitters: PubMed 34333495.

NM_000044.6(AR):c.2698A>T (p.Ile900Phe)

Gene: AR (androgen receptor; plus strand). Cytogenetic location: Xq12.
Variant type: single nucleotide variant.
Coding change: c.2698A>T on transcript NM_000044.6 (MANE Select); coding-DNA position 2698, A replaced by T.
Protein change: p.Ile900Phe; replaces isoleucine 900 with phenylalanine.
Molecular consequence: missense variant.
Genome position (GRCh38, 1-based): chrX:67,723,776, A>T. VCF-style: chrX-67723776-A-T. GRCh37 (hg19) VCF-style: chrX-66943618-A-T.
Other names: c.1102A>T, p.Ile368Phe (NM_001011645.3); short protein forms I900F, I368F.
Identifiers: ClinVar variation 464801 (VCV000464801.10), dbSNP rs1555998108, ClinGen allele CA413428361.